The following is an entry in ClinVar:

ClinVar aggregate classification (germline): Conflicting classifications of pathogenicity. Review status: criteria provided, conflicting classifications (1 of 4 stars). 3 submissions from 3 submitters: Uncertain significance (1); Benign (1); Likely benign (1). Last evaluated 2026-06-12.

Conditions:
Tumor predisposition syndrome 2 (TPDS2). Also called: MBD4-ASSOCIATED NEOPLASIA SYNDROME; MBD4-Related Tumor Predisposition Syndrome; MBD4-associated neoplasia syndrome (MANS). Identifiers: Orphanet 661526, MedGen C5774186, MONDO:0859267, OMIM 619975.
Inborn genetic diseases. Identifiers: MedGen C0950123, MeSH D030342.

gnomAD v4.1: 20 of 1,614,162 alleles (0.0012%); highest among the groups gnomAD compares: East Asian, 0.0022%; no homozygotes.

Submissions (3):

Myriad Genetics, Inc.
Classification: Benign for Tumor predisposition syndrome 2. Last evaluated: 2026-06-12. Review status: criteria provided, single submitter. Criteria: Myriad Autosomal Dominant, Autosomal Recessive and X-Linked Classification Criteria (2023). Collection method: clinical testing. Allele origin: unknown.
Comment: This variant is considered benign. This variant is a silent/synonymous amino acid change and it is not expected to impact splicing.

Labcorp Genetics (formerly Invitae), Labcorp
Classification: Likely benign. Last evaluated: 2025-06-09. Review status: criteria provided, single submitter. Criteria: Invitae Variant Classification Sherloc (09022015). Collection method: clinical testing. Allele origin: germline.

Ambry Genetics
Classification: Uncertain significance for Inborn genetic diseases. Last evaluated: 2025-03-18. Review status: criteria provided, single submitter. Criteria: Ambry Variant Classification Scheme 2023. Collection method: clinical testing. Allele origin: germline.
Comment: The c.1608C>T variant (also known as p.N536N), located in coding exon 7 of the MBD4 gene, results from a C to T substitution at nucleotide position 1608. This nucleotide substitution does not change the amino acid at codon 536. This nucleotide position is poorly conserved in available vertebrate species. In silico splice site analysis for this alteration is inconclusive. Based on the available evidence, the clinical significance of this variant remains unclear.

NM_001276270.2(MBD4):c.1608C>T (p.Asn536=)

Gene: MBD4 (methyl-CpG binding domain 4, DNA glycosylase; minus strand). Cytogenetic location: 3q21.3.
Variant type: single nucleotide variant.
Coding change: c.1608C>T on transcript NM_001276270.2 (MANE Select); coding-DNA position 1608, C replaced by T.
Protein change: p.Asn536=; no amino-acid change (asparagine 536 retained).
Molecular consequence: synonymous variant. On other transcripts: intron variant (1).
Genome position (GRCh38, 1-based): chr3:129,432,542, G>A on the plus strand (C>T on the coding strand, the complement: MBD4 is on the minus strand). VCF-style: chr3-129432542-G-A. GRCh37 (hg19) VCF-style: chr3-129151385-G-A.
Other names: c.1626C>T, p.Asn542= (NM_001276271.2, NM_003925.3); c.672C>T, p.Asn224= (NM_001276273.2); c.1612+14C>T (NM_001276272.2).
Identifiers: ClinVar variation 3673656 (VCV003673656.4).
Genomic context (GRCh38, chr3:129,432,542, plus strand): 5'-ATGGATGGGAGTGAGCCTCACCTGCTTCCACTCATTGACACAAAAAATTCGGTAAGAGTC[G>A]TTGCCATATTTACCAATCCCATGAAGCTCAATTGGATACTTCCACTGCTTTGTCAGGTAT-3'
Protein context (NP_001263199.1, residues 526-546): IELHGIGKYG[Asn536=]DSYRIFCVNE